The following is an entry in ClinVar:

NM_020987.5(ANK3):c.8895T>C (p.Ala2965=)

Gene: ANK3 (ankyrin 3; minus strand). Cytogenetic location: 10q21.2.
Variant type: single nucleotide variant.
Coding change: c.8895T>C on transcript NM_020987.5 (MANE Select); coding-DNA position 8895, T replaced by C.
Protein change: p.Ala2965=; no amino-acid change (alanine 2965 retained).
Molecular consequence: synonymous variant. On other transcripts: intron variant (4).
Genome position (GRCh38, 1-based): chr10:60,071,986, A>G on the plus strand (T>C on the coding strand, the complement: ANK3 is on the minus strand). VCF-style: chr10-60071986-A-G. GRCh37 (hg19) VCF-style: chr10-61831744-A-G.
Other names: c.4388-3977T>C (NM_001204403.2); c.4409-3977T>C (NM_001204404.2); c.4406-3977T>C (NM_001320874.2); c.1808-3977T>C (NM_001149.4).
Identifiers: ClinVar variation 128380 (VCV000128380.18), dbSNP rs10740006, ClinGen allele CA151810.

ClinVar aggregate classification (germline): Benign. Review status: criteria provided, multiple submitters, no conflicts (2 of 4 stars). 4 submissions from 4 submitters: Benign (3). 1 of the submissions does not count toward it. Last evaluated 2026-02-03.

Conditions:
Intellectual developmental disorder, autosomal recessive 37. Also called: Intellectual disability-hypotonia-spasticity-sleep disorder syndrome. Identifiers: Orphanet 356996, MedGen C3809672, MONDO:0014210, OMIM 615493.

Allele frequency attached by ClinVar (database versions not stated): 1000 Genomes Project 0.12600; 1000 Genomes Project 30x 0.12617; TOPMed 0.17762; gnomAD 0.18901; ESP Exome Variant Server 0.19053; ExAC 0.20226; gnomAD exomes 0.20390 and 0.24943.
gnomAD v4.1: 391,796 of 1,613,928 alleles (24%); highest among the groups gnomAD compares: Non-Finnish European, 27%; 51,519 homozygotes.

Submissions (4):

Labcorp Genetics (formerly Invitae), Labcorp
Classification: Benign. Last evaluated: 2026-02-03. Review status: criteria provided, single submitter. Criteria: Invitae Variant Classification Sherloc (09022015). Collection method: clinical testing. Allele origin: germline.

Genome-Nilou Lab
Classification: Benign for Intellectual developmental disorder, autosomal recessive 37. Last evaluated: 2021-07-14. Review status: criteria provided, single submitter. Criteria: ACMG Guidelines, 2015. Collection method: clinical testing. Allele origin: germline. Affected: no.

Breakthrough Genomics
Classification: Benign. Review status: criteria provided, single submitter. Criteria: ACMG Guidelines, 2015. Collection method: not provided. Allele origin: germline. Inheritance: Autosomal recessive inheritance. Affected: yes.

Genetic Services Laboratory, University of Chicago
Classification: Likely benign for AllHighlyPenetrant. Review status: no assertion criteria provided. Collection method: clinical testing. Allele origin: germline. Inheritance: Autosomal recessive inheritance. Not counted in ClinVar's aggregate classification.
Comment: Likely benign based on allele frequency in 1000 Genomes Project or ESP global frequency and its presence in a patient with a rare or unrelated disease phenotype. NOT Sanger confirmed.